The following is an entry in ClinVar:

ClinVar aggregate classification (germline): Pathogenic/Likely pathogenic. Review status: criteria provided, multiple submitters, no conflicts (2 of 4 stars). 9 submissions from 9 submitters: Pathogenic (3); Likely pathogenic (5). 1 of the submissions does not count toward it. Last evaluated 2026-05-28.

Conditions:
Autoinflammatory syndrome. Identifiers: Orphanet 93665, MedGen C3890737, MONDO:0019751.
RAB27A-related disorder. Also called: RAB27A-related condition.
Griscelli syndrome type 2 (GS2). Also called: PAID SYNDROME; PARTIAL ALBINISM AND IMMUNODEFICIENCY SYNDROME; GRISCELLI SYNDROME WITH HEMOPHAGOCYTIC SYNDROME. Identifiers: Orphanet 381, Orphanet 79477, MedGen C1868679, MONDO:0011872, OMIM 607624.

Allele frequency attached by ClinVar (database versions not stated): gnomAD exomes 0.00002 and 0.00001; TOPMed below 0.00001; ExAC 0.00001.
gnomAD v4.1: 21 of 1,608,914 alleles (0.0013%); highest among the groups gnomAD compares: Middle Eastern, 0.15%; no homozygotes.

Submissions (9):

PreventionGenetics, part of Exact Sciences
Classification: Pathogenic for RAB27A-related condition. Last evaluated: 2026-05-28. Review status: criteria provided, single submitter. Criteria: ACMG Guidelines, 2015. Collection method: clinical testing. Allele origin: germline.
Comment: The RAB27A c.244C>T variant is predicted to result in the amino acid substitution p.Arg82Cys. This variant has been reported in the homozygous state in individuals with autosomal recessive Griscelli syndrome, and both segregation data and functional studies support its pathogenicity (Jin et al. 2018. PubMed ID: 29357941; Gadoury-Levesque et al. 2020. PubMed ID: 32542393; Al-Sulaiman et al. 2020. PubMed ID: 32856792; Human Gene Mutation Database). This variant is reported in 0.0054% of alleles in individuals of East Asian descent in gnomAD. This variant is interpreted as pathogenic.

Labcorp Genetics (formerly Invitae), Labcorp
Classification: Likely pathogenic for Griscelli syndrome type 2. Last evaluated: 2025-11-22. Review status: criteria provided, single submitter. Criteria: Invitae Variant Classification Sherloc (09022015). Collection method: clinical testing. Allele origin: germline.
Comment: This sequence change replaces arginine, which is basic and polar, with cysteine, which is neutral and slightly polar, at codon 82 of the RAB27A protein (p.Arg82Cys). This variant is present in population databases (rs753966933, gnomAD 0.006%). This missense change has been observed in individual(s) with clinical features of Griscelli syndrome and/or hemophagocytic lymphohistiocytosis (PMID: 27016801, 29357941, 32542393, 32856792, 32888943, 34329649, 37344829; internal data). It has also been observed to segregate with disease in related individuals. ClinVar contains an entry for this variant (Variation ID: 419794). Invitae Evidence Modeling of protein sequence and biophysical properties (such as structural, functional, and spatial information, amino acid conservation, physicochemical variation, residue mobility, and thermodynamic stability) indicates that this missense variant is expected to disrupt RAB27A protein function with a positive predictive value of 95%. Experimental studies have shown that this missense change affects RAB27A function (PMID: 27016801). In summary, the currently available evidence indicates that the variant is pathogenic, but additional data are needed to prove that conclusively. Therefore, this variant has been classified as Likely Pathogenic.

GeneDx
Classification: Pathogenic. Last evaluated: 2025-07-21. Review status: criteria provided, single submitter. Criteria: GeneDx Variant Classification Process June 2021. Collection method: clinical testing. Allele origin: germline. Affected: yes.
Comment: Variant has also been observed in the homozygous state in clinically unaffected relatives of affected probands (PMID: 32856792); Reported to be a founder variant in the Qatari population (PMID: 32856792); Published functional studies demonstrate that p.(R82C) impairs NK cell mediated cytotoxicity and impairs the functional activity of the RAB27A protein (PMID: 27016801, 29291352); In silico analysis supports that this missense variant has a deleterious effect on protein structure/function; This variant is associated with the following publications: (PMID: 30671214, 29357941, 29291352, 31989587, 31388699, 32542393, 31216405, 30919572, 31589614, 32888943, 34054914, 27016801, 37344829, 34329649, 32856792)

Genomic Medicine Center of Excellence, King Faisal Specialist Hospital and Research Centre
Classification: Pathogenic for Griscelli syndrome type 2. Last evaluated: 2023-05-08. Review status: criteria provided, single submitter. Criteria: ACMG Guidelines, 2015. Collection method: research. Allele origin: germline. Affected: yes.

Department of Pathology and Laboratory Medicine, Sinai Health System
Classification: Likely pathogenic for Griscelli syndrome type 2. Last evaluated: 2023-02-02. Review status: criteria provided, single submitter. Criteria: ACMG Guidelines, 2015. Collection method: research. Allele origin: germline.

Women's Health and Genetics/Laboratory Corporation of America, LabCorp
Classification: Likely pathogenic for Griscelli syndrome type 2. Last evaluated: 2022-08-18. Review status: criteria provided, single submitter. Criteria: LabCorp Variant Classification Summary - May 2015. Collection method: clinical testing. Allele origin: germline.
Comment: Variant summary: RAB27A c.244C>T (p.Arg82Cys) results in a non-conservative amino acid change located in the Small GTP-binding protein domain (IPR005225) of the encoded protein sequence. Five of five in-silico tools predict a damaging effect of the variant on protein function. The variant allele was found at a frequency of 1.6e-05 in 250912 control chromosomes. c.244C>T has been reported in the literature as a homozygous or compound heterozygous genotype in multiple individuals reported with features of hemophagocytic lymphohistiocytosis (pHLH) or autosomal recessive Griscelli Syndrome type 2 (GS2) that can progress to HLH (example, Netter_2016, Jin_2018, Gadoury-Levesque_2020, Zhang_2020). At-least one of these publications reported two presumably unaffected homozygous siblings within a family with normal NK cell numbers but reduced CD107a mobilization, which could explain the severely decreased cytotoxic NK cell function (Netter_2016). These data indicate that the variant is likely to be associated with disease. At least one publication reports experimental evidence evaluating an impact on protein function demonstrating an inhibition in interaction of Rab27a with Munc13-4, but only partially effect on binding of Rab27a to melanophilin (Netter_2016). Five clinical diagnostic laboratories have submitted clinical-significance assessments for this variant to ClinVar after 2014 without evidence for independent evaluation (likely pathogenic, n=2; VUS, n=1; pathogenic, n=2). Some submitters cite overlapping evidence utilized in the context of this evalution. Based on the evidence outlined above, the variant was classified as likely pathogenic.

Genome Diagnostics Laboratory, The Hospital for Sick Children
Classification: Likely pathogenic for Autoinflammatory syndrome. Last evaluated: 2020-11-06. Review status: criteria provided, single submitter. Criteria: ACMG Guidelines, 2015. Collection method: clinical testing. Allele origin: germline. Affected: yes.

Baylor Genetics
Classification: Likely pathogenic for Griscelli syndrome type 2. Last evaluated: 2018-10-12. Review status: criteria provided, single submitter. Criteria: ACMG Guidelines, 2015. Collection method: clinical testing. Allele origin: germline. Affected: yes.

Biochemical Molecular Genetic Laboratory, King Abdulaziz Medical City
Classification: Pathogenic for Griscelli syndrome type 2. Last evaluated: 2019-08-25. Review status: no assertion criteria provided. Collection method: clinical testing. Allele origin: germline. Affected: yes. Not counted in ClinVar's aggregate classification.

Literature cited by the submitters: PubMed 27016801 (cited by 3 submitters); PubMed 29357941 (cited by Labcorp Genetics (formerly Invitae), Labcorp and Women's Health and Genetics/Laboratory Corporation of America, LabCorp); PubMed 32542393 (cited by Labcorp Genetics (formerly Invitae), Labcorp and Women's Health and Genetics/Laboratory Corporation of America, LabCorp); PubMed 32856792 (cited by Labcorp Genetics (formerly Invitae), Labcorp); PubMed 32888943 (cited by Labcorp Genetics (formerly Invitae), Labcorp); PubMed 34329649 (cited by Labcorp Genetics (formerly Invitae), Labcorp); PubMed 37344829 (cited by Labcorp Genetics (formerly Invitae), Labcorp); PubMed 32375849 (cited by Women's Health and Genetics/Laboratory Corporation of America, LabCorp).

NM_183235.3(RAB27A):c.244C>T (p.Arg82Cys)

Gene: RAB27A (RAB27A, member RAS oncogene family; minus strand). Cytogenetic location: 15q21.3.
Variant type: single nucleotide variant.
Coding change: c.244C>T on transcript NM_183235.3 (MANE Select); coding-DNA position 244, C replaced by T.
Protein change: p.Arg82Cys; replaces arginine 82 with cysteine.
Molecular consequence: missense variant.
Genome position (GRCh38, 1-based): chr15:55,228,708, G>A on the plus strand (C>T on the coding strand, the complement: RAB27A is on the minus strand). VCF-style: chr15-55228708-G-A. GRCh37 (hg19) VCF-style: chr15-55520906-G-A.
Other names: c.244C>T, p.Arg82Cys (NM_004580.5, NM_183234.3, NM_183236.3); short protein forms R82C.
Identifiers: ClinVar variation 419794 (VCV000419794.28), dbSNP rs753966933, ClinGen allele CA7573638.